The following is an entry in ClinVar:

NM_015338.6(ASXL1):c.454T>C (p.Tyr152His)

Gene: ASXL1 (ASXL transcriptional regulator 1; plus strand). Cytogenetic location: 20q11.21.
Variant type: single nucleotide variant.
Coding change: c.454T>C on transcript NM_015338.6 (MANE Select); coding-DNA position 454, T replaced by C.
Protein change: p.Tyr152His; replaces tyrosine 152 with histidine.
Molecular consequence: missense variant.
Genome position (GRCh38, 1-based): chr20:32,428,405, T>C. VCF-style: chr20-32428405-T-C. GRCh37 (hg19) VCF-style: chr20-31016208-T-C.
Other names: c.424T>C, p.Tyr142His (NM_001363734.1); short protein forms Y142H, Y152H.
Identifiers: ClinVar variation 3439697 (VCV003439697.1).
Genomic context (GRCh38, chr20:32,428,405, plus strand): 5'-TCGAACGCATCCTGTTCTACAGAATCTCAGAGTCGACCTCTTTCCAATCCCAGGGACAGC[T>C]ACAGAGCTTCCTCACAGGTAAGGAAGAGGTAGAGCCTAGCCTGGGAGGATGAATGATGAC-3'
Protein context (NP_056153.2, residues 142-162): SRPLSNPRDS[Tyr152His]RASSQANKQK

ClinVar aggregate classification (germline): Uncertain significance (1 of 4 stars; one submission).

Conditions:
Inborn genetic diseases. Identifiers: MedGen C0950123, MeSH D030342.

Submission:

Ambry Genetics
Classification: Uncertain significance for Inborn genetic diseases. Last evaluated: 2024-12-08. Review status: criteria provided, single submitter. Criteria: Ambry Variant Classification Scheme 2023. Collection method: clinical testing. Allele origin: germline.
Comment: The p.Y152H variant (also known as c.454T>C), located in coding exon 6 of the ASXL1 gene, results from a T to C substitution at nucleotide position 454. The tyrosine at codon 152 is replaced by histidine, an amino acid with similar properties. This amino acid position is conserved. In addition, this alteration is predicted to be tolerated by in silico analysis. Based on the available evidence, the clinical significance of this variant remains unclear.